The following is an entry in ClinVar:

ClinVar aggregate classification (germline): Uncertain significance (1 of 4 stars; one submission).

Conditions:
Congenital contractural arachnodactyly (CCA). Also called: Arthrogryposis, distal, type 9; BEALS SYNDROME; Beals-Hecht syndrome. Identifiers: Orphanet 115, MedGen C0220668, MONDO:0007363, OMIM 121050.

Submission:

Labcorp Genetics (formerly Invitae), Labcorp
Classification: Uncertain significance for Congenital contractural arachnodactyly. Last evaluated: 2022-02-20. Review status: criteria provided, single submitter. Criteria: Invitae Variant Classification Sherloc (09022015). Collection method: clinical testing. Allele origin: germline.
Comment: In summary, the available evidence is currently insufficient to determine the role of this variant in disease. Therefore, it has been classified as a Variant of Uncertain Significance. Algorithms developed to predict the effect of missense changes on protein structure and function are either unavailable or do not agree on the potential impact of this missense change (SIFT: "Not Available"; PolyPhen-2: "Probably Damaging"; Align-GVGD: "Not Available"). This variant has not been reported in the literature in individuals affected with FBN2-related conditions. Information on the frequency of this variant in the gnomAD database is not available, as this variant may be reported differently in the database. This sequence change replaces serine, which is neutral and polar, with phenylalanine, which is neutral and non-polar, at codon 2682 of the FBN2 protein (p.Ser2682Phe).

NM_001999.4(FBN2):c.8045_8046delinsTC (p.Ser2682Phe)

Gene: FBN2 (fibrillin 2; minus strand). Cytogenetic location: 5q23.3.
Variant type: Indel.
Coding change: c.8045_8046delinsTC on transcript NM_001999.4 (MANE Select); coding-DNA positions 8045 to 8046, CG replaced by TC.
Protein change: p.Ser2682Phe; replaces serine 2682 with phenylalanine.
Molecular consequence: missense variant.
Genome position (GRCh38, 1-based): chr5:128,263,571-128,263,572, CG replaced by GA on the plus strand (CG replaced by TC on the coding strand, the reverse complement: FBN2 is on the minus strand). VCF-style: chr5-128263571-CG-GA. GRCh37 (hg19) VCF-style: chr5-127599263-CG-GA.
Other names: short protein forms S2682F.
Identifiers: ClinVar variation 2036152 (VCV002036152.4), dbSNP rs2479612084, ClinGen allele CA2580072630.
Genomic context (GRCh38, chr5:128,263,571, plus strand): 5'-GGAGGACGAGCACTCATTCACGTCGTGGCAGGCACTGGAGAACTGGTCGAAGGAGAACCC[CG>GA]AGGGGCAGGCGCACTTGTAACTCCCCAGGGTGTTGTAGCAGGAAGCAGAGCCACAGGCAT-3'
Protein context (NP_001990.2, residues 2672-2692): TLGSYKCACP[Ser2682Phe]GFSFDQFSSA